The following is an entry in ClinVar:

ClinVar aggregate classification (germline): Likely benign. Review status: criteria provided, single submitter (1 of 4 stars). 2 submissions from 2 submitters: Likely benign (1). 1 of the submissions does not count toward it. Last evaluated 2025-11-10.

Conditions:
MSTO1-related disorder. Also called: MSTO1‑Related Disease.

Allele frequency attached by ClinVar (database versions not stated): ExAC 0.00007; TOPMed 0.00009; gnomAD 0.00011; ESP Exome Variant Server 0.00023.
gnomAD v4.1: 137 of 1,613,864 alleles (0.0085%); highest among the groups gnomAD compares: Middle Eastern, 0.033%; no homozygotes.

Submissions (2):

Labcorp Genetics (formerly Invitae), Labcorp
Classification: Likely benign. Last evaluated: 2025-11-10. Review status: criteria provided, single submitter. Criteria: Invitae Variant Classification Sherloc (09022015). Collection method: clinical testing. Allele origin: germline.

PreventionGenetics, part of Exact Sciences
Classification: Likely benign for MSTO1-related condition. Last evaluated: 2019-06-17. Review status: no assertion criteria provided. Collection method: clinical testing. Allele origin: germline. Not counted in ClinVar's aggregate classification.
Comment: This variant is classified as likely benign based on ACMG/AMP sequence variant interpretation guidelines (Richards et al. 2015 PMID: 25741868, with internal and published modifications).

NM_018116.4(MSTO1):c.679-7C>T

Gene: MSTO1 (misato mitochondrial distribution and morphology regulator 1; plus strand). Cytogenetic location: 1q22.
Variant type: single nucleotide variant.
Coding change: c.679-7C>T on transcript NM_018116.4 (MANE Select); 7 bases into the intron before coding-DNA position 679, C replaced by T.
Molecular consequence: intron variant.
Genome position (GRCh38, 1-based): chr1:155,612,175, C>T. VCF-style: chr1-155612175-C-T. GRCh37 (hg19) VCF-style: chr1-155581966-C-T.
Other names: c.679-7C>T (NM_018116.3, NM_001350773.1, NM_001350774.1 and 4 more transcripts); c.148-7C>T (NM_001350779.1, NM_001350778.1, NM_001350777.1); c.136-7C>T (NM_001350784.1, NM_001350785.1, NM_001350789.1 and 1 more transcripts); c.145-7C>T (NM_001350781.1, NM_001350786.1, NM_001350788.1 and 3 more transcripts); c.514-7C>T (NM_001350776.1).
Identifiers: ClinVar variation 2170288 (VCV002170288.6), dbSNP rs112951003, ClinGen allele CA1147982.